The following is an entry in ClinVar:

NM_033305.3(VPS13A):c.4979C>G (p.Thr1660Ser)

Gene: VPS13A (vacuolar protein sorting 13 homolog A; plus strand). Cytogenetic location: 9q21.2.
Variant type: single nucleotide variant.
Coding change: c.4979C>G on transcript NM_033305.3 (MANE Select); coding-DNA position 4979, C replaced by G.
Protein change: p.Thr1660Ser; replaces threonine 1660 with serine.
Molecular consequence: missense variant.
Genome position (GRCh38, 1-based): chr9:77,318,257, C>G. VCF-style: chr9-77318257-C-G. GRCh37 (hg19) VCF-style: chr9-79933173-C-G.
Other names: c.4862C>G, p.Thr1621Ser (NM_001018037.2); c.4979C>G, p.Thr1660Ser (NM_001018038.3, NM_015186.4); short protein forms T1660S, T1621S.
Identifiers: ClinVar variation 367387 (VCV000367387.24), dbSNP rs139073067, ClinGen allele CA5092666.
Genomic context (GRCh38, chr9:77,318,257, plus strand): 5'-AGTGTTTTGTATAGACTTATTAATTTTTTTCCATTTAGGTTTCACCAGTTATTATAAATA[C>G]TATGATTACCATAACTTCAGCACTGTATACAACTAAGGAAACCATCCCAGAAGAAACGGC-3'
Protein context (NP_150648.2, residues 1650-1670): TLKVSPVIIN[Thr1660Ser]MITITSALYT

ClinVar aggregate classification (germline): Uncertain significance. Review status: criteria provided, multiple submitters, no conflicts (2 of 4 stars). 6 submissions from 6 submitters: Uncertain significance (5). 1 of the submissions does not count toward it. Last evaluated 2024-11-10.

Conditions:
VPS13A-related neurodegenerative disease. Also called: VPS13A Disease; Choreaacanthocytosis; Choreoacanthocytosis; Chorea-acanthocytosis; ACANTHOCYTOSIS WITH NEUROLOGIC DISORDER; LEVINE-CRITCHLEY SYNDROME. Identifiers: Orphanet 2388, MedGen C0393576, MONDO:0008695, OMIM 200150.
Inborn genetic diseases. Identifiers: MedGen C0950123, MeSH D030342.

Allele frequency attached by ClinVar (database versions not stated): gnomAD exomes 0.00005 and 0.00007; ExAC 0.00007; gnomAD 0.00011; TOPMed 0.00012.
gnomAD v4.1: 85 of 1,597,542 alleles (0.0053%); highest among the groups gnomAD compares: Non-Finnish European, 0.0071%; no homozygotes.

Submissions (6):

Ambry Genetics
Classification: Uncertain significance for Inborn genetic diseases. Last evaluated: 2024-11-10. Review status: criteria provided, single submitter. Criteria: Ambry Variant Classification Scheme 2023. Collection method: clinical testing. Allele origin: germline.

CeGaT Center for Human Genetics Tuebingen
Classification: Uncertain significance. Last evaluated: 2024-11-01. Review status: criteria provided, single submitter. Criteria: CeGaT Center For Human Genetics Tuebingen Variant Classification Criteria Version 2. Collection method: clinical testing. Allele origin: germline. Affected: yes. Observed: 1 variant allele.
Comment: VPS13A: PM2

Blueprint Genetics
Classification: Uncertain significance. Last evaluated: 2024-07-31. Review status: criteria provided, single submitter. Criteria: ACMG Guidelines, 2015. Collection method: clinical testing. Allele origin: germline.

Labcorp Genetics (formerly Invitae), Labcorp
Classification: Uncertain significance. Last evaluated: 2022-07-05. Review status: criteria provided, single submitter. Criteria: Invitae Variant Classification Sherloc (09022015). Collection method: clinical testing. Allele origin: germline.
Comment: This sequence change replaces threonine, which is neutral and polar, with serine, which is neutral and polar, at codon 1660 of the VPS13A protein (p.Thr1660Ser). This variant is present in population databases (rs139073067, gnomAD 0.01%). This variant has not been reported in the literature in individuals affected with VPS13A-related conditions. ClinVar contains an entry for this variant (Variation ID: 367387). Algorithms developed to predict the effect of missense changes on protein structure and function are either unavailable or do not agree on the potential impact of this missense change (SIFT: "Tolerated"; PolyPhen-2: "Probably Damaging"; Align-GVGD: "Class C0"). Algorithms developed to predict the effect of sequence changes on RNA splicing suggest that this variant may create or strengthen a splice site. In summary, the available evidence is currently insufficient to determine the role of this variant in disease. Therefore, it has been classified as a Variant of Uncertain Significance.

Illumina Laboratory Services, Illumina
Classification: Uncertain significance for VPS13A-related neurodegenerative disease. Last evaluated: 2018-01-13. Review status: criteria provided, single submitter. Criteria: ICSL Variant Classification Criteria 13 December 2019. Collection method: clinical testing. Allele origin: germline.

Counsyl
Classification: Uncertain significance for VPS13A-related neurodegenerative disease. Last evaluated: 2017-11-20. Review status: no assertion criteria provided. Collection method: clinical testing. Allele origin: unknown. Not counted in ClinVar's aggregate classification.